The following is an entry in ClinVar:

NM_015215.4(CAMTA1):c.4460C>G (p.Pro1487Arg)

Gene: CAMTA1 (calmodulin binding transcription activator 1; plus strand). Cytogenetic location: 1p36.23.
Variant type: single nucleotide variant.
Coding change: c.4460C>G on transcript NM_015215.4 (MANE Select); coding-DNA position 4460, C replaced by G.
Protein change: p.Pro1487Arg; replaces proline 1487 with arginine.
Molecular consequence: missense variant.
Genome position (GRCh38, 1-based): chr1:7,745,934, C>G. VCF-style: chr1-7745934-C-G. GRCh37 (hg19) VCF-style: chr1-7805994-C-G.
Other names: c.4370C>G, p.Pro1457Arg (NM_001349608.2); c.4121C>G, p.Pro1374Arg (NM_001349609.2, NM_001349610.2, NM_001410737.1); c.4031C>G, p.Pro1344Arg (NM_001349612.2); c.1589C>G, p.Pro530Arg (NM_001349613.1); c.1532C>G, p.Pro511Arg (NM_001349614.1, NM_001349615.2, NM_001349616.2 and 2 more transcripts); c.1193C>G, p.Pro398Arg (NM_001349619.2, NM_001349620.1, NM_001349621.1 and 5 more transcripts); c.4049C>G, p.Pro1350Arg (NM_001410738.1); short protein forms P1344R, P1350R, P1374R, P1457R, P1487R, P398R, P511R, P530R.
Identifiers: ClinVar variation 3251008 (VCV003251008.18), dbSNP rs779282730.

ClinVar aggregate classification (germline): Uncertain significance (1 of 4 stars; one submission).

Allele frequency attached by ClinVar (database versions not stated): ExAC 0.00001; TOPMed 0.00001; gnomAD exomes 0.00003.
gnomAD v4.1: 50 of 1,614,214 alleles (0.0031%); highest among the groups gnomAD compares: Non-Finnish European, 0.0042%; no homozygotes.

Submission:

CeGaT Center for Human Genetics Tuebingen
Classification: Uncertain significance. Last evaluated: 2024-06-01. Review status: criteria provided, single submitter. Criteria: CeGaT Center For Human Genetics Tuebingen Variant Classification Criteria Version 2. Collection method: clinical testing. Allele origin: germline. Affected: yes. Observed: 1 variant allele.
Comment: CAMTA1: PM2, BP4